The following is an entry in ClinVar:

NM_001012339.3(DNAJC21):c.760A>G (p.Arg254Gly)

Gene: DNAJC21 (DnaJ heat shock protein family (Hsp40) member C21; plus strand). Cytogenetic location: 5p13.2.
Variant type: single nucleotide variant.
Coding change: c.760A>G on transcript NM_001012339.3 (MANE Select); coding-DNA position 760, A replaced by G.
Protein change: p.Arg254Gly; replaces arginine 254 with glycine.
Molecular consequence: missense variant.
Genome position (GRCh38, 1-based): chr5:34,938,874, A>G. VCF-style: chr5-34938874-A-G. GRCh37 (hg19) VCF-style: chr5-34938979-A-G.
Other names: c.760A>G, p.Arg254Gly (NM_001348420.2, NM_194283.4); c.760A>G (NM_194283.3); short protein forms R254G.
Identifiers: ClinVar variation 1337921 (VCV001337921.8), dbSNP rs1362593821, ClinGen allele CA359416086.
Genomic context (GRCh38, chr5:34,938,874, plus strand): 5'-CAGAGGCGTGCTTGTCGCTGTGAGACTGTGCTGTATGTGTCTAGACTGGTGGAGCAGTAC[A>G]GAGAACAGAGCTGGATGACTATGGCCAATTTGGAGAAAGAGCTCCAGGAGATGGAGGCAC-3'
Protein context (NP_001012339.2, residues 244-264): LKQAKLVEQY[Arg254Gly]EQSWMTMANL

ClinVar aggregate classification (germline): Uncertain significance. Review status: criteria provided, multiple submitters, no conflicts (2 of 4 stars). 3 submissions from 3 submitters: Uncertain significance (3). Last evaluated 2022-08-30.

Conditions:
Inborn genetic diseases. Identifiers: MedGen C0950123, MeSH D030342.

Allele frequency attached by ClinVar (database versions not stated): gnomAD exomes below 0.00001.
gnomAD v4.1: 2 of 1,614,006 alleles (0.00012%); highest among the groups gnomAD compares: Admixed American, 0.0033%; no homozygotes.

Submissions (3):

Ambry Genetics
Classification: Uncertain significance for Inborn genetic diseases. Last evaluated: 2022-08-30. Review status: criteria provided, single submitter. Criteria: Ambry Variant Classification Scheme 2023. Collection method: clinical testing. Allele origin: germline.

Labcorp Genetics (formerly Invitae), Labcorp
Classification: Uncertain significance. Last evaluated: 2022-02-03. Review status: criteria provided, single submitter. Criteria: Invitae Variant Classification Sherloc (09022015). Collection method: clinical testing. Allele origin: germline.
Comment: This variant has not been reported in the literature in individuals affected with DNAJC21-related conditions. In summary, the available evidence is currently insufficient to determine the role of this variant in disease. Therefore, it has been classified as a Variant of Uncertain Significance. Algorithms developed to predict the effect of missense changes on protein structure and function (SIFT, PolyPhen-2, Align-GVGD) all suggest that this variant is likely to be tolerated. This variant is present in population databases (no rsID available, gnomAD 0.003%). This sequence change replaces arginine, which is basic and polar, with glycine, which is neutral and non-polar, at codon 254 of the DNAJC21 protein (p.Arg254Gly).

Genetic Services Laboratory, University of Chicago
Classification: Uncertain significance. Last evaluated: 2021-04-19. Review status: criteria provided, single submitter. Criteria: ACMG Guidelines, 2015. Collection method: clinical testing. Allele origin: germline. Affected: no.
Comment: DNA sequence analysis of the DNAJC21 gene demonstrated a sequence change, c.760A>G, in exon 6 that results in an amino acid change, p.Arg254Gly. This sequence change has been described in gnomAD with a frequency of 0.0029% in the African sub-population (dbSNP rs1362593821). The p.Arg254Gly change affects a poorly conserved amino acid residue located in a domain of the DNAJC21 protein that is not known to be functional. The p.Arg254Gly substitution appears to be benign using several in-silico pathogenicity prediction tools (SIFT, PolyPhen2, Align GVGD, REVEL). This sequence change does not appear to have been previously described in patients with DNAJC21-related disorders. Due to the lack of sufficient evidences, the clinical significance of the p.Arg254Gly change remains unknown at this time.